The following is an entry in ClinVar:

ClinVar aggregate classification (germline): Uncertain significance (1 of 4 stars; one submission).

Allele frequency attached by ClinVar (database versions not stated): gnomAD exomes below 0.00001 and 0.00001.
gnomAD v4.1: 12 of 1,613,032 alleles (0.00074%); highest among the groups gnomAD compares: Non-Finnish European, 0.00068%; no homozygotes.

Submission:

Laboratory for Molecular Medicine, Mass General Brigham Personalized Medicine
Classification: Uncertain significance. Last evaluated: 2015-03-11. Review status: criteria provided, single submitter. Criteria: LMM Criteria. Collection method: clinical testing. Allele origin: germline. Observed: 1 variant allele.
Comment: The p.Glu16083Gly variant in TTN has not been previously reported in individuals with cardiomyopathy or in large population studies. Computational prediction t ools and conservation analysis do not provide strong support for or against an i mpact to the protein. In summary, the clinical significance of the p.Glu16083Gly variant is uncertain.

NM_001267550.2(TTN):c.55952A>G (p.Glu18651Gly)

Genes: TTN (titin; minus strand), TTN-AS1 (TTN antisense RNA 1; plus strand). Cytogenetic location: 2q31.2.
Variant type: single nucleotide variant.
Coding change: c.55952A>G on transcript NM_001267550.2 (MANE Select); coding-DNA position 55952, A replaced by G.
Protein change: p.Glu18651Gly; replaces glutamic acid 18651 with glycine.
Molecular consequence: missense variant.
Genome position (GRCh38, 1-based): chr2:178,600,952, T>C on the plus strand (A>G on the coding strand, the complement: TTN is on the minus strand). VCF-style: chr2-178600952-T-C. GRCh37 (hg19) VCF-style: chr2-179465679-T-C.
Other names: c.29333A>G, p.Glu9778Gly (NM_133437.4); c.48248A>G, p.Glu16083Gly (NM_133378.4); c.51029A>G, p.Glu17010Gly (NM_001256850.1); c.28757A>G, p.Glu9586Gly (NM_003319.4); c.29132A>G, p.Glu9711Gly (NM_133432.3); short protein forms E16083G, E18651G, E9586G, E17010G, E9711G, E9778G.
Identifiers: ClinVar variation 229460 (VCV000229460.5), dbSNP rs876658067, ClinGen allele CA10576513.